The following is an entry in ClinVar:

NM_006087.4(TUBB4A):c.189G>A (p.Ala63=)

Gene: TUBB4A (tubulin beta 4A class IVa; minus strand). Cytogenetic location: 19p13.3.
Variant type: single nucleotide variant.
Coding change: c.189G>A on transcript NM_006087.4 (MANE Select); coding-DNA position 189, G replaced by A.
Protein change: p.Ala63=; no amino-acid change (alanine 63 retained).
Molecular consequence: synonymous variant. On other transcripts: 5 prime UTR variant (2).
Genome position (GRCh38, 1-based): chr19:6,501,375, C>T on the plus strand (G>A on the coding strand, the complement: TUBB4A is on the minus strand). VCF-style: chr19-6501375-C-T. GRCh37 (hg19) VCF-style: chr19-6501386-C-T.
Other names: p.Ala63=; c.342G>A, p.Ala114= (NM_001289123.2); c.324G>A, p.Ala108= (NM_001289127.2); c.189G>A, p.Ala63= (NM_001289129.2); c.-28G>A (NM_001289130.2, NM_001289131.2).
Identifiers: ClinVar variation 330267 (VCV000330267.51), dbSNP rs150812047, ClinGen allele CA9127438.

ClinVar aggregate classification (germline): Benign/Likely benign. Review status: criteria provided, multiple submitters, no conflicts (2 of 4 stars). 9 submissions from 8 submitters: Benign (3); Likely benign (5). 1 of the submissions does not count toward it. Last evaluated 2026-08-01.

Conditions:
Leukodystrophy, hypomyelinating, 6. Also called: TUBB4A-Associated Leukodystrophy; Hypomyelination with Atrophy of Basal Ganglia and Cerebellum (H-ABC); LEUKODYSTROPHY, HYPOMYELINATING, WITH ATROPHY OF THE BASAL GANGLIA AND CEREBELLUM. Identifiers: Orphanet 139441, MedGen C2676244, MONDO:0012905, OMIM 612438.
Torsion dystonia 4. Also called: DYT-TUBB4A (Autosomal Dominant Torsion Dystonia); DYSTONIA MUSCULORUM DEFORMANS 4. Identifiers: Orphanet 98805, MedGen C1851943, MONDO:0007493, OMIM 128101.
TUBB4A-related disorder. Also called: TUBB4A-related condition.

Allele frequency attached by ClinVar (database versions not stated): TOPMed 0.00221; ExAC 0.00228; gnomAD 0.00251 and 0.00252; ESP Exome Variant Server 0.00254; 1000 Genomes Project 30x 0.00078; 1000 Genomes Project 0.00080; gnomAD exomes 0.00215.
gnomAD v4.1: 5,141 of 1,613,854 alleles (0.32%); highest among the groups gnomAD compares: Non-Finnish European, 0.39%; 11 homozygotes.

Submissions (9):

CeGaT Center for Human Genetics Tuebingen
Classification: Likely benign. Last evaluated: 2026-08-01. Review status: criteria provided, single submitter. Criteria: CeGaT Center For Human Genetics Tuebingen Variant Classification Criteria Version 2. Collection method: clinical testing. Allele origin: germline. Affected: yes. Observed: 26 variant alleles.
Comment: TUBB4A: BS1

Labcorp Genetics (formerly Invitae), Labcorp
Classification: Benign for Leukodystrophy, hypomyelinating, 6. Last evaluated: 2026-01-22. Review status: criteria provided, single submitter. Criteria: Invitae Variant Classification Sherloc (09022015). Collection method: clinical testing. Allele origin: germline.

Mayo Clinic Laboratories, Mayo Clinic
Classification: Benign. Last evaluated: 2024-12-24. Review status: criteria provided, single submitter. Criteria: ACMG Guidelines, 2015. Collection method: clinical testing. Allele origin: germline. Observed: 1 variant allele.
Comment: BS1, BS2, BP4, BP7

Blueprint Genetics
Classification: Likely benign. Last evaluated: 2024-11-14. Review status: criteria provided, single submitter. Criteria: ACMG Guidelines, 2015. Collection method: clinical testing. Allele origin: germline.

GeneDx
Classification: Benign. Last evaluated: 2019-06-03. Review status: criteria provided, single submitter. Criteria: GeneDx Variant Classification Process June 2021. Collection method: clinical testing. Allele origin: germline. Affected: yes.
Comment: This variant is associated with the following publications: (PMID: 26318963)

Illumina Laboratory Services, Illumina
Classification: Likely benign for Leukodystrophy, hypomyelinating, 6. Last evaluated: 2017-04-27. Review status: criteria provided, single submitter. Criteria: ICSL Variant Classification Criteria 13 December 2019. Collection method: clinical testing. Allele origin: germline.
Comment: This variant was observed as part of a predisposition screen in an ostensibly healthy population. A literature search was performed for the gene, cDNA change, and amino acid change (where applicable). No publications were found based on this search. Allele frequency data from public databases allowed determination this variant is unlikely to cause disease. Therefore, this variant is classified as likely benign.

Illumina Laboratory Services, Illumina
Classification: Likely benign for Torsion dystonia 4. Last evaluated: 2017-04-27. Review status: criteria provided, single submitter. Criteria: ICSL Variant Classification Criteria 13 December 2019. Collection method: clinical testing. Allele origin: germline.
Comment: the same text as in the submission from Illumina Laboratory Services, Illumina above.

Breakthrough Genomics
Classification: Likely benign. Review status: criteria provided, single submitter. Criteria: ACMG Guidelines, 2015. Collection method: not provided. Allele origin: germline. Inheritance: Autosomal dominant inheritance. Affected: yes.

PreventionGenetics, part of Exact Sciences
Classification: Likely benign for TUBB4A-related condition. Last evaluated: 2019-05-22. Review status: no assertion criteria provided. Collection method: clinical testing. Allele origin: germline. Not counted in ClinVar's aggregate classification.
Comment: This variant is classified as likely benign based on ACMG/AMP sequence variant interpretation guidelines (Richards et al. 2015 PMID: 25741868, with internal and published modifications).

Literature cited by the submitters: PubMed 26318963 (cited by Mayo Clinic Laboratories, Mayo Clinic).